The following is an entry in ClinVar:

ClinVar aggregate classification (germline): Uncertain significance (1 of 4 stars; one submission).

Submission:

GeneDx
Classification: Uncertain significance. Last evaluated: 2025-01-15. Review status: criteria provided, single submitter. Criteria: GeneDx Variant Classification Process June 2021. Collection method: clinical testing. Allele origin: germline. Affected: yes.
Comment: Nonsense variant predicted to result in protein truncation or nonsense mediated decay in a gene or region of a gene for which loss of function is not a well-established mechanism of disease; Has not been previously published as pathogenic or benign to our knowledge

NM_001744.6(CAMK4):c.96C>A (p.Tyr32Ter)

Genes: CAMK4 (calcium/calmodulin dependent protein kinase IV; plus strand), LOC129994350 (ATAC-STARR-seq lymphoblastoid active region 22891; plus strand). Cytogenetic location: 5q22.1.
Variant type: single nucleotide variant.
Coding change: c.96C>A on transcript NM_001744.6 (MANE Select); coding-DNA position 96, C replaced by A.
Protein change: p.Tyr32Ter; replaces tyrosine 32 with a stop codon.
Molecular consequence: nonsense. On other transcripts: 5 prime UTR variant (2).
Genome position (GRCh38, 1-based): chr5:111,224,579, C>A. VCF-style: chr5-111224579-C-A. GRCh37 (hg19) VCF-style: chr5-110560277-C-A.
Other names: c.96C>A, p.Tyr32Ter (NM_001323374.2, NM_001323375.2); c.-350C>A (NM_001323376.2); c.-413C>A (NM_001323377.2); short protein forms Y32*.
Identifiers: ClinVar variation 4070761 (VCV004070761.1).